The following is an entry in ClinVar:

NM_017570.5(OPLAH):c.3311T>C (p.Met1104Thr)

Gene: OPLAH (5-oxoprolinase, ATP-hydrolysing; minus strand). Cytogenetic location: 8q24.3.
Variant type: single nucleotide variant.
Coding change: c.3311T>C on transcript NM_017570.5 (MANE Select); coding-DNA position 3311, T replaced by C.
Protein change: p.Met1104Thr; replaces methionine 1104 with threonine.
Molecular consequence: missense variant.
Genome position (GRCh38, 1-based): chr8:144,052,319, A>G on the plus strand (T>C on the coding strand, the complement: OPLAH is on the minus strand). VCF-style: chr8-144052319-A-G. GRCh37 (hg19) VCF-style: chr8-145107222-A-G.
Other names: short protein forms M1104T.
Identifiers: ClinVar variation 1965747 (VCV001965747.5), dbSNP rs1554757877, ClinGen allele CA372532860.

ClinVar aggregate classification (germline): Uncertain significance (1 of 4 stars; one submission).

Conditions:
5-Oxoprolinase deficiency (OPLAHD). Also called: 5-OXOPROLINURIA DUE TO 5-OXOPROLINASE DEFICIENCY. Identifiers: Orphanet 33572, MedGen C0268525, MONDO:0009825, OMIM 260005, HP:0040142.

Allele frequency attached by ClinVar (database versions not stated): gnomAD exomes below 0.00001.

Submission:

Labcorp Genetics (formerly Invitae), Labcorp
Classification: Uncertain significance for 5-Oxoprolinase deficiency. Last evaluated: 2025-04-28. Review status: criteria provided, single submitter. Criteria: Invitae Variant Classification Sherloc (09022015). Collection method: clinical testing. Allele origin: germline.
Comment: This sequence change replaces methionine, which is neutral and non-polar, with threonine, which is neutral and polar, at codon 1104 of the OPLAH protein (p.Met1104Thr). This variant is present in population databases (no rsID available, gnomAD 0.04%). This variant has not been reported in the literature in individuals affected with OPLAH-related conditions. ClinVar contains an entry for this variant (Variation ID: 1965747). Experimental studies and prediction algorithms are not available or were not evaluated, and the functional significance of this variant is currently unknown. In summary, the available evidence is currently insufficient to determine the role of this variant in disease. Therefore, it has been classified as a Variant of Uncertain Significance.